The following is an entry in ClinVar:

ClinVar aggregate classification (germline): Uncertain significance (1 of 4 stars; one submission).

Submission:

CeGaT Center for Human Genetics Tuebingen
Classification: Uncertain significance. Last evaluated: 2025-12-01. Review status: criteria provided, single submitter. Criteria: CeGaT Center For Human Genetics Tuebingen Variant Classification Criteria Version 2. Collection method: clinical testing. Allele origin: germline. Affected: yes. Observed: 1 variant allele.
Comment: CHD7: PM2, BP4

NM_017780.4(CHD7):c.6634A>G (p.Ser2212Gly)

Gene: CHD7 (chromodomain helicase DNA binding protein 7; plus strand). Cytogenetic location: 8q12.2.
Variant type: single nucleotide variant.
Coding change: c.6634A>G on transcript NM_017780.4 (MANE Select); coding-DNA position 6634, A replaced by G.
Protein change: p.Ser2212Gly; replaces serine 2212 with glycine.
Molecular consequence: missense variant. On other transcripts: intron variant (1).
Genome position (GRCh38, 1-based): chr8:60,853,359, A>G. VCF-style: chr8-60853359-A-G. GRCh37 (hg19) VCF-style: chr8-61765918-A-G.
Other names: c.1717-8870A>G (NM_001316690.1); short protein forms S2212G.
Identifiers: ClinVar variation 4681954 (VCV004681954.5).